The following is an entry in ClinVar:

NM_017612.5(ZCCHC8):c.1790C>G (p.Ser597Cys)

Gene: ZCCHC8 (zinc finger CCHC-type containing 8; minus strand). Cytogenetic location: 12q24.31.
Variant type: single nucleotide variant.
Coding change: c.1790C>G on transcript NM_017612.5 (MANE Select); coding-DNA position 1790, C replaced by G.
Protein change: p.Ser597Cys; replaces serine 597 with cysteine.
Molecular consequence: missense variant.
Genome position (GRCh38, 1-based): chr12:122,473,831, G>C on the plus strand (C>G on the coding strand, the complement: ZCCHC8 is on the minus strand). VCF-style: chr12-122473831-G-C. GRCh37 (hg19) VCF-style: chr12-122958378-G-C.
Other names: c.1559C>G, p.Ser520Cys (NM_001350935.2); c.1493C>G, p.Ser498Cys (NM_001350936.2); c.1076C>G, p.Ser359Cys (NM_001350937.2, NM_001350938.2); short protein forms S498C, S359C, S520C, S597C.
Identifiers: ClinVar variation 2751418 (VCV002751418.3), dbSNP rs2547194161, ClinGen allele CA387047683.

ClinVar aggregate classification (germline): Uncertain significance (1 of 4 stars; one submission).

Allele frequency attached by ClinVar (database versions not stated): gnomAD exomes below 0.00001.
gnomAD v4.1: 5 of 1,613,928 alleles (0.00031%); highest among the groups gnomAD compares: Non-Finnish European, 0.00042%; no homozygotes.

Submission:

Labcorp Genetics (formerly Invitae), Labcorp
Classification: Uncertain significance. Last evaluated: 2023-08-09. Review status: criteria provided, single submitter. Criteria: Invitae Variant Classification Sherloc (09022015). Collection method: clinical testing. Allele origin: germline.
Comment: This variant is not present in population databases (gnomAD no frequency). In summary, the available evidence is currently insufficient to determine the role of this variant in disease. Therefore, it has been classified as a Variant of Uncertain Significance. Advanced modeling of protein sequence and biophysical properties (such as structural, functional, and spatial information, amino acid conservation, physicochemical variation, residue mobility, and thermodynamic stability) performed at Invitae indicates that this missense variant is not expected to disrupt ZCCHC8 protein function. This variant has not been reported in the literature in individuals affected with ZCCHC8-related conditions. This sequence change replaces serine, which is neutral and polar, with cysteine, which is neutral and slightly polar, at codon 597 of the ZCCHC8 protein (p.Ser597Cys).